The following is an entry in ClinVar:

NM_006329.4(FBLN5):c.967C>G (p.Pro323Ala)

Gene: FBLN5 (fibulin 5; minus strand). Cytogenetic location: 14q32.12.
Variant type: single nucleotide variant.
Coding change: c.967C>G on transcript NM_006329.4 (MANE Select); coding-DNA position 967, C replaced by G.
Protein change: p.Pro323Ala; replaces proline 323 with alanine.
Molecular consequence: missense variant.
Genome position (GRCh38, 1-based): chr14:91,881,314, G>C on the plus strand (C>G on the coding strand, the complement: FBLN5 is on the minus strand). VCF-style: chr14-91881314-G-C. GRCh37 (hg19) VCF-style: chr14-92347658-G-C.
Other names: c.1090C>G, p.Pro364Ala (NM_001384158.1); c.1018C>G, p.Pro340Ala (NM_001384159.1); c.967C>G, p.Pro323Ala (NM_001384160.1); c.799C>G, p.Pro267Ala (NM_001384161.1, NM_001384162.1); short protein forms P267A, P323A, P364A, P340A.
Identifiers: ClinVar variation 1931883 (VCV001931883.5), dbSNP rs1321118394, ClinGen allele CA390641838.

ClinVar aggregate classification (germline): Uncertain significance (1 of 4 stars; one submission).

Allele frequency attached by ClinVar (database versions not stated): gnomAD exomes below 0.00001.
gnomAD v4.1: 2 of 1,614,088 alleles (0.00012%); highest among the groups gnomAD compares: Admixed American, 0.0017%; no homozygotes.

Submission:

Labcorp Genetics (formerly Invitae), Labcorp
Classification: Uncertain significance. Last evaluated: 2025-04-24. Review status: criteria provided, single submitter. Criteria: Invitae Variant Classification Sherloc (09022015). Collection method: clinical testing. Allele origin: germline.
Comment: This sequence change replaces proline, which is neutral and non-polar, with alanine, which is neutral and non-polar, at codon 323 of the FBLN5 protein (p.Pro323Ala). This variant is present in population databases (no rsID available, gnomAD 0.006%). This variant has not been reported in the literature in individuals affected with FBLN5-related conditions. ClinVar contains an entry for this variant (Variation ID: 1931883). Invitae Evidence Modeling of protein sequence and biophysical properties (such as structural, functional, and spatial information, amino acid conservation, physicochemical variation, residue mobility, and thermodynamic stability) indicates that this missense variant is expected to disrupt FBLN5 protein function with a positive predictive value of 80%. In summary, the available evidence is currently insufficient to determine the role of this variant in disease. Therefore, it has been classified as a Variant of Uncertain Significance.